The following is an entry in ClinVar:

NM_005529.7(HSPG2):c.5350C>T (p.Arg1784Cys)

Gene: HSPG2 (heparan sulfate proteoglycan 2; minus strand). Cytogenetic location: 1p36.12.
Variant type: single nucleotide variant.
Coding change: c.5350C>T on transcript NM_005529.7 (MANE Select); coding-DNA position 5350, C replaced by T.
Protein change: p.Arg1784Cys; replaces arginine 1784 with cysteine.
Molecular consequence: missense variant.
Genome position (GRCh38, 1-based): chr1:21,857,329, G>A on the plus strand (C>T on the coding strand, the complement: HSPG2 is on the minus strand). VCF-style: chr1-21857329-G-A. GRCh37 (hg19) VCF-style: chr1-22183822-G-A.
Other names: c.5353C>T, p.Arg1785Cys (NM_001291860.2); short protein forms R1785C, R1784C.
Identifiers: ClinVar variation 1031542 (VCV001031542.12), dbSNP rs150937055, ClinGen allele CA671955.

ClinVar aggregate classification (germline): Uncertain significance. Review status: criteria provided, multiple submitters, no conflicts (2 of 4 stars). 3 submissions from 3 submitters: Uncertain significance (3). Last evaluated 2023-04-27.

Conditions:
Lethal Kniest-like syndrome (DDSH). Also called: Dyssegmental Dysplasia. Identifiers: Orphanet 1865, MedGen C1857100, MONDO:0009140, OMIM 224410.

Allele frequency attached by ClinVar (database versions not stated): gnomAD 0.00004 and 0.00005; ESP Exome Variant Server 0.00008; gnomAD exomes 0.00008 and 0.00021; TOPMed 0.00008; ExAC 0.00018; 1000 Genomes Project 30x 0.00031; 1000 Genomes Project 0.00040.
gnomAD v4.1: 124 of 1,614,010 alleles (0.0077%); highest among the groups gnomAD compares: Admixed American, 0.063%; no homozygotes.

Submissions (3):

Baylor Genetics
Classification: Uncertain significance for Lethal Kniest-like syndrome. Last evaluated: 2023-04-27. Review status: criteria provided, single submitter. Criteria: ACMG Guidelines, 2015. Collection method: clinical testing. Allele origin: unknown.

Labcorp Genetics (formerly Invitae), Labcorp
Classification: Uncertain significance. Last evaluated: 2022-10-24. Review status: criteria provided, single submitter. Criteria: Invitae Variant Classification Sherloc (09022015). Collection method: clinical testing. Allele origin: germline.
Comment: This sequence change replaces arginine, which is basic and polar, with cysteine, which is neutral and slightly polar, at codon 1784 of the HSPG2 protein (p.Arg1784Cys). This variant is present in population databases (rs150937055, gnomAD 0.07%). This variant has not been reported in the literature in individuals affected with HSPG2-related conditions. ClinVar contains an entry for this variant (Variation ID: 1031542). Algorithms developed to predict the effect of missense changes on protein structure and function are either unavailable or do not agree on the potential impact of this missense change (SIFT: "Tolerated"; PolyPhen-2: "Possibly Damaging"; Align-GVGD: "Class C0"). In summary, the available evidence is currently insufficient to determine the role of this variant in disease. Therefore, it has been classified as a Variant of Uncertain Significance.

Revvity Omics, Revvity
Classification: Uncertain significance. Last evaluated: 2019-04-08. Review status: criteria provided, single submitter. Criteria: ACMG Guidelines, 2015. Collection method: clinical testing. Allele origin: germline.